The following is an entry in ClinVar:

ClinVar aggregate classification (germline): Benign. Review status: criteria provided, multiple submitters, no conflicts (2 of 4 stars). 3 submissions from 3 submitters: Benign (2). 1 of the submissions does not count toward it. Last evaluated 2026-02-02.

Conditions:
MAP3K14-related disorder. Also called: MAP3K14-related condition.
NIK deficiency. Also called: Primary immunodeficiency with multifaceted aberrant lymphoid immunity. Identifiers: Orphanet 447731, MedGen C5680065, MONDO:0018642.

Allele frequency attached by ClinVar (database versions not stated): TOPMed 0.00222; gnomAD exomes 0.00275 and 0.00058; ESP Exome Variant Server 0.00024; gnomAD 0.00125 and 0.00126; 1000 Genomes Project 0.00140; ExAC 0.00220.
gnomAD v4.1: 1,041 of 1,613,668 alleles (0.065%); highest among the groups gnomAD compares: Admixed American, 1.6%; 10 homozygotes.

Submissions (3):

Labcorp Genetics (formerly Invitae), Labcorp
Classification: Benign for NIK deficiency. Last evaluated: 2026-02-02. Review status: criteria provided, single submitter. Criteria: Invitae Variant Classification Sherloc (09022015). Collection method: clinical testing. Allele origin: germline.

Breakthrough Genomics
Classification: Benign. Review status: criteria provided, single submitter. Criteria: ACMG Guidelines, 2015. Collection method: not provided. Allele origin: germline. Inheritance: Unknown mechanism. Affected: yes.

PreventionGenetics, part of Exact Sciences
Classification: Benign for MAP3K14-related condition. Last evaluated: 2019-10-28. Review status: no assertion criteria provided. Collection method: clinical testing. Allele origin: germline. Not counted in ClinVar's aggregate classification.
Comment: This variant is classified as benign based on ACMG/AMP sequence variant interpretation guidelines (Richards et al. 2015 PMID: 25741868, with internal and published modifications).

NM_003954.5(MAP3K14):c.521G>A (p.Cys174Tyr)

Gene: MAP3K14 (mitogen-activated protein kinase kinase kinase 14; minus strand). Cytogenetic location: 17q21.31.
Variant type: single nucleotide variant.
Coding change: c.521G>A on transcript NM_003954.5 (MANE Select); coding-DNA position 521, G replaced by A.
Protein change: p.Cys174Tyr; replaces cysteine 174 with tyrosine.
Molecular consequence: missense variant.
Genome position (GRCh38, 1-based): chr17:45,287,170, C>T on the plus strand (G>A on the coding strand, the complement: MAP3K14 is on the minus strand). VCF-style: chr17-45287170-C-T. GRCh37 (hg19) VCF-style: chr17-43364536-C-T.
Other names: c.521G>A, p.Cys174Tyr (LRG_1222t1); short protein forms C174Y.
Identifiers: ClinVar variation 544327 (VCV000544327.15), dbSNP rs184263319, ClinGen allele CA8614340.